The following is an entry in ClinVar:

NM_017654.4(SAMD9):c.1933G>T (p.Glu645Ter)

Gene: SAMD9 (sterile alpha motif domain containing 9; minus strand). Cytogenetic location: 7q21.2.
Variant type: single nucleotide variant.
Coding change: c.1933G>T on transcript NM_017654.4 (MANE Select); coding-DNA position 1933, G replaced by T.
Protein change: p.Glu645Ter; replaces glutamic acid 645 with a stop codon.
Molecular consequence: nonsense.
Genome position (GRCh38, 1-based): chr7:93,104,165, C>A on the plus strand (G>T on the coding strand, the complement: SAMD9 is on the minus strand). VCF-style: chr7-93104165-C-A. GRCh37 (hg19) VCF-style: chr7-92733478-C-A.
Other names: c.1933G>T, p.Glu645Ter (NM_001193307.2); short protein forms E645*.
Identifiers: ClinVar variation 4728076 (VCV004728076.1).

ClinVar aggregate classification (germline): Uncertain significance (1 of 4 stars; one submission).

Submission:

Labcorp Genetics (formerly Invitae), Labcorp
Classification: Uncertain significance. Last evaluated: 2025-09-29. Review status: criteria provided, single submitter. Criteria: Invitae Variant Classification Sherloc (09022015). Collection method: clinical testing. Allele origin: germline.
Comment: This sequence change creates a premature translational stop signal (p.Glu645*) in the SAMD9 gene. While this is not anticipated to result in nonsense mediated decay, it is expected to disrupt the last 945 amino acid(s) of the SAMD9 protein. This variant is not present in population databases (gnomAD no frequency). This variant has not been reported in the literature in individuals affected with SAMD9-related conditions. In summary, the available evidence is currently insufficient to determine the role of this variant in disease. Therefore, it has been classified as a Variant of Uncertain Significance.